The following is an entry in ClinVar:

ClinVar aggregate classification (germline): Uncertain significance (1 of 4 stars; one submission).

Submission:

GeneDx
Classification: Uncertain significance. Last evaluated: 2024-06-04. Review status: criteria provided, single submitter. Criteria: GeneDx Variant Classification Process June 2021. Collection method: clinical testing. Allele origin: germline. Affected: yes.
Comment: Not observed at significant frequency in large population cohorts (gnomAD); In silico analysis supports that this missense variant has a deleterious effect on protein structure/function; In silico analysis supports a deleterious effect on splicing; Has not been previously published as pathogenic or benign to our knowledge

NM_001040142.2(SCN2A):c.1953T>A (p.Asn651Lys)

Gene: SCN2A (sodium voltage-gated channel alpha subunit 2; plus strand). Cytogenetic location: 2q24.3.
Variant type: single nucleotide variant.
Coding change: c.1953T>A on transcript NM_001040142.2 (MANE Select); coding-DNA position 1953, T replaced by A.
Protein change: p.Asn651Lys; replaces asparagine 651 with lysine.
Molecular consequence: missense variant.
Genome position (GRCh38, 1-based): chr2:165,323,437, T>A. VCF-style: chr2-165323437-T-A. GRCh37 (hg19) VCF-style: chr2-166179947-T-A.
Other names: c.1953T>A, p.Asn651Lys (NM_001040143.2, NM_001371246.1, NM_001371247.1 and 1 more transcripts); short protein forms N651K.
Identifiers: ClinVar variation 3391549 (VCV003391549.1).